The following is an entry in ClinVar:

ClinVar aggregate classification (germline): Uncertain significance (1 of 4 stars; one submission).

Submission:

Mayo Clinic Laboratories, Mayo Clinic
Classification: Uncertain significance. Last evaluated: 2023-01-30. Review status: criteria provided, single submitter. Criteria: ACMG Guidelines, 2015. Collection method: clinical testing. Allele origin: germline. Observed: 1 variant allele.
Comment: BP4, PM2_supporting

NM_000361.3(THBD):c.1452G>T (p.Lys484Asn)

Gene: THBD (thrombomodulin; minus strand). Cytogenetic location: 20p11.21.
Variant type: single nucleotide variant.
Coding change: c.1452G>T on transcript NM_000361.3 (MANE Select); coding-DNA position 1452, G replaced by T.
Protein change: p.Lys484Asn; replaces lysine 484 with asparagine.
Molecular consequence: missense variant.
Genome position (GRCh38, 1-based): chr20:23,048,053, C>A on the plus strand (G>T on the coding strand, the complement: THBD is on the minus strand). VCF-style: chr20-23048053-C-A. GRCh37 (hg19) VCF-style: chr20-23028690-C-A.
Other names: p.Lys484Asn; short protein forms K484N.
Identifiers: ClinVar variation 2683533 (VCV002683533.1), dbSNP rs1167654562, ClinGen allele CA408405491.